The following is an entry in ClinVar:

ClinVar aggregate classification (germline): Uncertain significance (1 of 4 stars; one submission).

Submission:

Labcorp Genetics (formerly Invitae), Labcorp
Classification: Uncertain significance. Last evaluated: 2025-12-24. Review status: criteria provided, single submitter. Criteria: Invitae Variant Classification Sherloc (09022015). Collection method: clinical testing. Allele origin: germline.
Comment: This sequence change falls in intron 19 of the TTLL5 gene. It does not directly change the encoded amino acid sequence of the TTLL5 protein. Information on the frequency of this variant in the gnomAD database is not available, as this variant may be reported differently in the database. This variant has not been reported in the literature in individuals affected with TTLL5-related conditions. ClinVar contains an entry for this variant (Variation ID: 1356556). In summary, the available evidence is currently insufficient to determine the role of this variant in disease. Therefore, it has been classified as a Variant of Uncertain Significance.

NM_015072.5(TTLL5):c.1709-8_1709-7inv

Gene: TTLL5 (tubulin tyrosine ligase like 5; plus strand). Cytogenetic location: 14q24.3.
Variant type: Inversion.
Coding change: c.1709-8_1709-7inv on transcript NM_015072.5 (MANE Select).
Molecular consequence: intron variant.
Genome position: GRCh38 VCF-style: chr14-75766054-GT-AC. GRCh37 (hg19) VCF-style: chr14-76232397-GT-AC.
Identifiers: ClinVar variation 1356556 (VCV001356556.4), ClinGen allele CA2573150211.